The following is an entry in ClinVar:

ClinVar aggregate classification (germline): Uncertain significance (1 of 4 stars; one submission).

Conditions:
Inborn genetic diseases. Identifiers: MedGen C0950123, MeSH D030342.

Submission:

Ambry Genetics
Classification: Uncertain significance for Inborn genetic diseases. Last evaluated: 2025-11-16. Review status: criteria provided, single submitter. Criteria: Ambry Variant Classification Scheme 2023. Collection method: clinical testing. Allele origin: germline.
Comment: The p.T309N variant (also known as c.926C>A), located in coding exon 1 of the SAMD9L gene, results from a C to A substitution at nucleotide position 926. The threonine at codon 309 is replaced by asparagine, an amino acid with similar properties. This amino acid position is conserved. In addition, this alteration is predicted to be tolerated by in silico analysis. Based on the available evidence, the clinical significance of this variant remains unclear.

NM_152703.5(SAMD9L):c.926C>A (p.Thr309Asn)

Gene: SAMD9L (sterile alpha motif domain containing 9 like; minus strand). Cytogenetic location: 7q21.2.
Variant type: single nucleotide variant.
Coding change: c.926C>A on transcript NM_152703.5 (MANE Select); coding-DNA position 926, C replaced by A.
Protein change: p.Thr309Asn; replaces threonine 309 with asparagine.
Molecular consequence: missense variant.
Genome position (GRCh38, 1-based): chr7:93,135,046, G>T on the plus strand (C>A on the coding strand, the complement: SAMD9L is on the minus strand). VCF-style: chr7-93135046-G-T. GRCh37 (hg19) VCF-style: chr7-92764359-G-T.
Other names: c.926C>A, p.Thr309Asn (NM_001303496.3, NM_001303497.3, NM_001303498.3 and 5 more transcripts); short protein forms T309N.
Identifiers: ClinVar variation 4630126 (VCV004630126.1).